The following is an entry in ClinVar:

NM_005502.4(ABCA1):c.3053A>G (p.Asp1018Gly)

Gene: ABCA1 (ATP binding cassette subfamily A member 1; minus strand). Cytogenetic location: 9q31.1.
Variant type: single nucleotide variant.
Coding change: c.3053A>G on transcript NM_005502.4 (MANE Select); coding-DNA position 3053, A replaced by G.
Protein change: p.Asp1018Gly; replaces aspartic acid 1018 with glycine.
Molecular consequence: missense variant.
Genome position (GRCh38, 1-based): chr9:104,819,977, T>C on the plus strand (A>G on the coding strand, the complement: ABCA1 is on the minus strand). VCF-style: chr9-104819977-T-C. GRCh37 (hg19) VCF-style: chr9-107582258-T-C.
Other names: p.Asp1018Gly; short protein forms D1018G.
Identifiers: ClinVar variation 364423 (VCV000364423.20), dbSNP rs140365800, ClinGen allele CA5168562.

ClinVar aggregate classification (germline): Conflicting classifications of pathogenicity. Review status: criteria provided, conflicting classifications (1 of 4 stars). 7 submissions from 6 submitters: Uncertain significance (4); Benign (3). Last evaluated 2025-12-20.

Conditions:
Hypoalphalipoproteinemia, primary, 1. Identifiers: Orphanet 425, MedGen C5231558, MONDO:0011393, OMIM 604091.
Cardiovascular phenotype. Identifiers: MedGen CN230736.
Tangier disease (TGD). Also called: HIGH DENSITY LIPOPROTEIN DEFICIENCY, TANGIER TYPE; HIGH DENSITY LIPOPROTEIN DEFICIENCY, TYPE 1; Cholesterol thesaurismosis. Identifiers: Orphanet 31150, MedGen C0039292, MONDO:0008783, OMIM 205400.

Allele frequency attached by ClinVar (database versions not stated): 1000 Genomes Project 0.00020; 1000 Genomes Project 30x 0.00031; ExAC 0.00044; gnomAD 0.00068 and 0.00072; ESP Exome Variant Server 0.00069; TOPMed 0.00076.
gnomAD v4.1: 661 of 1,614,032 alleles (0.041%); highest among the groups gnomAD compares: Admixed American, 0.12%; 3 homozygotes.

Submissions (7):

Labcorp Genetics (formerly Invitae), Labcorp
Classification: Benign. Last evaluated: 2025-12-20. Review status: criteria provided, single submitter. Criteria: Invitae Variant Classification Sherloc (09022015). Collection method: clinical testing. Allele origin: germline.

Ambry Genetics
Classification: Uncertain significance for Cardiovascular phenotype. Last evaluated: 2024-10-10. Review status: criteria provided, single submitter. Criteria: Ambry Variant Classification Scheme 2023. Collection method: clinical testing. Allele origin: germline.
Comment: The p.D1018G variant (also known as c.3053A>G), located in coding exon 20 of the ABCA1 gene, results from an A to G substitution at nucleotide position 3053. The aspartic acid at codon 1018 is replaced by glycine, an amino acid with similar properties. This variant has been reported in individual(s) in lipid genetic testing cohorts, but clinical details were limited (Benes LB et al. Cardiovasc Revasc Med, 2020 Feb;21:200-204; Peloso GM et al. Eur J Hum Genet, 2016 Jun;24:924-30). This amino acid position is highly conserved in available vertebrate species. In addition, this alteration is predicted to be deleterious by in silico analysis. Based on the available evidence, the clinical significance of this variant remains unclear.

Mayo Clinic Laboratories, Mayo Clinic
Classification: Uncertain significance. Last evaluated: 2021-09-27. Review status: criteria provided, single submitter. Criteria: ACMG Guidelines, 2015. Collection method: clinical testing. Allele origin: germline.

GeneDx
Classification: Uncertain significance. Last evaluated: 2021-08-27. Review status: criteria provided, single submitter. Criteria: GeneDx Variant Classification Process June 2021. Collection method: clinical testing. Allele origin: germline. Affected: yes.
Comment: Reported in one patient referred to a lipid clinic for genetic testing (Benes et al., 2019); however, specific clinical information was not provided; In silico analysis supports that this missense variant has a deleterious effect on protein structure/function; Reported in ClinVar (ClinVar Variant ID# 364423; Landrum et al., 2016); This variant is associated with the following publications: (PMID: 23376243, 25215231, 32041611, 31153847)

Women's Health and Genetics/Laboratory Corporation of America, LabCorp
Classification: Benign. Last evaluated: 2019-07-22. Review status: criteria provided, single submitter. Criteria: LabCorp Variant Classification Summary - May 2015. Collection method: clinical testing. Allele origin: germline.
Comment: Variant summary: ABCA1 c.3053A>G (p.Asp1018Gly) results in a non-conservative amino acid change located in the ABC transporter-like and AAA+ ATPase domain of the encoded protein sequence. Five of five in-silico tools predict a damaging effect of the variant on protein function. The variant allele was found at a frequency of 0.00064 in 251444 control chromosomes. The observed variant frequency is approximately 51.22 fold of the estimated maximal expected allele frequency for a pathogenic variant in ABCA1 causing Early Onset Coronary Artery Disease phenotype (1.3e-05), strongly suggesting that the variant is benign. c.3053A>G has not been reported in the literature in individuals affected with Early Onset Coronary Artery Disease. To our knowledge, no experimental evidence demonstrating an impact on protein function has been reported. One clinical diagnostic laboratory has submitted clinical-significance assessments for this variant to ClinVar after 2014 without evidence for independent evaluation. One laboratory classified the variant as likely benign. Based on the evidence outlined above, the variant was classified as benign.

Illumina Laboratory Services, Illumina
Classification: Uncertain significance for Tangier disease. Last evaluated: 2018-01-12. Review status: criteria provided, single submitter. Criteria: ICSL Variant Classification Criteria 13 December 2019. Collection method: clinical testing. Allele origin: germline.

Illumina Laboratory Services, Illumina
Classification: Benign for Hypoalphalipoproteinemia, primary, 1. Last evaluated: 2018-01-12. Review status: criteria provided, single submitter. Criteria: ICSL Variant Classification Criteria 13 December 2019. Collection method: clinical testing. Allele origin: germline.
Comment: This variant was observed in the ICSL laboratory as part of a predisposition screen in an ostensibly healthy population. It had not been previously curated by ICSL or reported in the Human Gene Mutation Database (HGMD: prior to June 1st, 2018), and was therefore a candidate for classification through an automated scoring system. Utilizing variant allele frequency, disease prevalence and penetrance estimates, and inheritance mode, an automated score was calculated to assess if this variant is too frequent to cause the disease. Based on the score and internal cut-off values, a variant classified as benign is not then subjected to further curation. The score for this variant resulted in a classification of benign for this disease.

Literature cited by the submitters: PubMed 26350511 (cited by Ambry Genetics and Women's Health and Genetics/Laboratory Corporation of America, LabCorp); PubMed 31153847 (cited by Ambry Genetics); PubMed 25215231 (cited by Women's Health and Genetics/Laboratory Corporation of America, LabCorp); PubMed 23376243 (cited by Women's Health and Genetics/Laboratory Corporation of America, LabCorp); PubMed 29535370 (cited by Women's Health and Genetics/Laboratory Corporation of America, LabCorp); PubMed 29224928 (cited by Women's Health and Genetics/Laboratory Corporation of America, LabCorp).